The following is an entry in ClinVar:

ClinVar aggregate classification (germline): Pathogenic (1 of 4 stars; one submission).

Conditions:
Hermansky-Pudlak syndrome 3 (HPS3). Identifiers: Orphanet 231512, Orphanet 79430, MedGen C3888001, MONDO:0013555, OMIM 614072.

Submission:

Myriad Genetics, Inc.
Classification: Pathogenic for Hermansky-Pudlak syndrome 3. Last evaluated: 2024-05-14. Review status: criteria provided, single submitter. Criteria: Myriad Autosomal Dominant, Autosomal Recessive and X-Linked Classification Criteria (2023). Collection method: clinical testing. Allele origin: unknown.
Comment: NM_032383.3(HPS3):c.2740A>T(R914*) is expected to be pathogenic in the context of Hermansky-Pudlak syndrome, HPS3-related. This variant is predicted to lead to an abnormal or absent protein product due to the creation of a premature termination codon in HPS3, a gene where loss-of-function variants are known to be pathogenic. Please note: this variant was assessed in the context of healthy population screening.

NM_032383.5(HPS3):c.2740A>T (p.Arg914Ter)

Genes: CP (ceruloplasmin; minus strand), HPS3 (HPS3 biogenesis of lysosomal organelles complex 2 subunit 1; plus strand). Cytogenetic location: 3q24.
Variant type: single nucleotide variant.
Coding change: c.2740A>T on transcript NM_032383.5 (MANE Select); coding-DNA position 2740, A replaced by T.
Protein change: p.Arg914Ter; replaces arginine 914 with a stop codon.
Molecular consequence: nonsense.
Genome position (GRCh38, 1-based): chr3:149,167,184, A>T. VCF-style: chr3-149167184-A-T. GRCh37 (hg19) VCF-style: chr3-148884971-A-T.
Other names: c.2245A>T, p.Arg749Ter (NM_001308258.2); short protein forms R749*, R914*.
Identifiers: ClinVar variation 5010658 (VCV005010658.1).
Genomic context (GRCh38, chr3:149,167,184, plus strand): 5'-CATGTTCTGTGTCGTACACGCTTGAAAGAGTATGAACAGTGCATAGACATACTGTTAGAG[A>T]GATGCCCGGAGGCAGTCATTCCATATGCTAATCATGAACTGAAAGAAGAGAACCGGGTAT-3'